The following is an entry in ClinVar:

NM_004168.4(SDHA):c.1357G>A (p.Gly453Arg)

Gene: SDHA (succinate dehydrogenase complex flavoprotein subunit A; plus strand). Cytogenetic location: 5p15.33.
Variant type: single nucleotide variant.
Coding change: c.1357G>A on transcript NM_004168.4 (MANE Select); coding-DNA position 1357, G replaced by A.
Protein change: p.Gly453Arg; replaces glycine 453 with arginine.
Molecular consequence: missense variant.
Genome position (GRCh38, 1-based): chr5:236,524, G>A. VCF-style: chr5-236524-G-A. GRCh37 (hg19) VCF-style: chr5-236639-G-A.
Other names: c.1213G>A, p.Gly405Arg (NM_001294332.2); c.1357G>A, p.Gly453Arg (NM_001330758.2); short protein forms G453R, G405R.
Identifiers: ClinVar variation 472324 (VCV000472324.19), dbSNP rs770028533, ClinGen allele CA3173206.

ClinVar aggregate classification (germline): Uncertain significance. Review status: criteria provided, multiple submitters, no conflicts (2 of 4 stars). 4 submissions from 4 submitters: Uncertain significance (4). Last evaluated 2025-12-24.

Conditions:
Hereditary cancer-predisposing syndrome. Also called: Neoplastic Syndromes, Hereditary; Hereditary Cancer Syndrome; Hereditary neoplastic syndrome; Tumor predisposition. Identifiers: Orphanet 140162, MedGen C0027672, MeSH D009386, MONDO:0015356.
Dilated cardiomyopathy 1GG (CMD1GG). Identifiers: Orphanet 154, MedGen C3150898, MONDO:0013339, OMIM 613642.
Mitochondrial complex II deficiency, nuclear type 1. Also called: SUCCINATE CoQ REDUCTASE DEFICIENCY. Identifiers: Orphanet 3208, MedGen C5700310, MONDO:0100294, OMIM 252011.
Pheochromocytoma/paraganglioma syndrome 5. Also called: Paragangliomas 5; SDHA-Related Hereditary Paraganglioma-Pheochromocytoma Syndrome. Identifiers: Orphanet 29072, MedGen C3279992, MONDO:0013602, OMIM 614165.

Allele frequency attached by ClinVar (database versions not stated): gnomAD exomes below 0.00001 and 0.00001; TOPMed below 0.00001; ExAC 0.00001; gnomAD 0.00002.
gnomAD v4.1: 7 of 1,613,942 alleles (0.00043%); highest among the groups gnomAD compares: Non-Finnish European, 0.00059%; no homozygotes.

Submissions (4):

Ambry Genetics
Classification: Uncertain significance for Hereditary cancer-predisposing syndrome. Last evaluated: 2025-12-24. Review status: criteria provided, single submitter. Criteria: Ambry Variant Classification Scheme 2023. Collection method: clinical testing. Allele origin: germline.

Labcorp Genetics (formerly Invitae), Labcorp
Classification: Uncertain significance for Pheochromocytoma/paraganglioma syndrome 5; Mitochondrial complex II deficiency, nuclear type 1. Last evaluated: 2025-10-25. Review status: criteria provided, single submitter. Criteria: Invitae Variant Classification Sherloc (09022015). Collection method: clinical testing. Allele origin: germline.
Comment: This sequence change replaces glycine, which is neutral and non-polar, with arginine, which is basic and polar, at codon 453 of the SDHA protein (p.Gly453Arg). This variant is present in population databases (rs770028533, gnomAD 0.004%). This variant has not been reported in the literature in individuals affected with SDHA-related conditions. ClinVar contains an entry for this variant (Variation ID: 472324). Invitae Evidence Modeling of protein sequence and biophysical properties (such as structural, functional, and spatial information, amino acid conservation, physicochemical variation, residue mobility, and thermodynamic stability) has been performed for this missense variant. However, the output from this modeling did not meet the statistical confidence thresholds required to predict the impact of this variant on SDHA protein function. In summary, the available evidence is currently insufficient to determine the role of this variant in disease. Therefore, it has been classified as a Variant of Uncertain Significance.

GeneDx
Classification: Uncertain significance. Last evaluated: 2024-03-27. Review status: criteria provided, single submitter. Criteria: GeneDx Variant Classification Process June 2021. Collection method: clinical testing. Allele origin: germline. Affected: yes.
Comment: Has not been previously published as pathogenic or benign to our knowledge; Not observed at significant frequency in large population cohorts (gnomAD); In silico analysis supports that this missense variant has a deleterious effect on protein structure/function

Baylor Genetics
Classification: Uncertain significance for Dilated cardiomyopathy 1GG. Last evaluated: 2023-10-26. Review status: criteria provided, single submitter. Criteria: ACMG Guidelines, 2015. Collection method: clinical testing. Allele origin: unknown.